The following is an entry in ClinVar:

ClinVar aggregate classification (germline): Conflicting classifications of pathogenicity. Review status: criteria provided, conflicting classifications (1 of 4 stars). 3 submissions from 3 submitters: Uncertain significance (2); Likely benign (1). Last evaluated 2026-01-28.

Conditions:
Inborn genetic diseases. Identifiers: MedGen C0950123, MeSH D030342.
Jeune thoracic dystrophy. Also called: Jeune syndrome; Infantile thoracic dystrophy; Thoracic pelvic phalangeal dystrophy; Jeune's syndrome; Chondroectodermal dysplasia-like syndrome; Short-rib thoracic dysplasia. Identifiers: Orphanet 474, MedGen C0265275, MONDO:0018770.

Allele frequency attached by ClinVar (database versions not stated): gnomAD exomes 0.00003 and 0.00013; gnomAD 0.00009 and 0.00013; ExAC 0.00011; TOPMed 0.00020; 1000 Genomes Project 30x 0.00047; 1000 Genomes Project 0.00060.
gnomAD v4.1: 65 of 1,613,354 alleles (0.004%); highest among the groups gnomAD compares: East Asian, 0.1%; no homozygotes.

Submissions (3):

Labcorp Genetics (formerly Invitae), Labcorp
Classification: Likely benign for Jeune thoracic dystrophy. Last evaluated: 2026-01-28. Review status: criteria provided, single submitter. Criteria: Invitae Variant Classification Sherloc (09022015). Collection method: clinical testing. Allele origin: germline.

GeneDx
Classification: Uncertain significance. Last evaluated: 2024-09-04. Review status: criteria provided, single submitter. Criteria: GeneDx Variant Classification Process June 2021. Collection method: clinical testing. Allele origin: germline. Affected: yes.
Comment: In silico analysis indicates that this missense variant does not alter protein structure/function; Has not been previously published as pathogenic or benign to our knowledge

Ambry Genetics
Classification: Uncertain significance for Inborn genetic diseases. Last evaluated: 2023-02-23. Review status: criteria provided, single submitter. Criteria: Ambry Variant Classification Scheme 2023. Collection method: clinical testing. Allele origin: germline.

NM_001377.3(DYNC2H1):c.4020G>T (p.Gln1340His)

Gene: DYNC2H1 (dynein cytoplasmic 2 heavy chain 1; plus strand). Cytogenetic location: 11q22.3.
Variant type: single nucleotide variant.
Coding change: c.4020G>T on transcript NM_001377.3 (MANE Select); coding-DNA position 4020, G replaced by T.
Protein change: p.Gln1340His; replaces glutamine 1340 with histidine.
Molecular consequence: missense variant.
Genome position (GRCh38, 1-based): chr11:103,156,663, G>T. VCF-style: chr11-103156663-G-T. GRCh37 (hg19) VCF-style: chr11-103027392-G-T.
Other names: c.4020G>T, p.Gln1340His (NM_001080463.2); short protein forms Q1340H.
Identifiers: ClinVar variation 970877 (VCV000970877.13), dbSNP rs191869845, ClinGen allele CA6253442.